The following is an entry in ClinVar:

NM_001276270.2(MBD4):c.838C>T (p.Gln280Ter)

Gene: MBD4 (methyl-CpG binding domain 4, DNA glycosylase; minus strand). Cytogenetic location: 3q21.3.
Variant type: single nucleotide variant.
Coding change: c.838C>T on transcript NM_001276270.2 (MANE Select); coding-DNA position 838, C replaced by T.
Protein change: p.Gln280Ter; replaces glutamine 280 with a stop codon.
Molecular consequence: nonsense. On other transcripts: intron variant (1).
Genome position (GRCh38, 1-based): chr3:129,436,806, G>A on the plus strand (C>T on the coding strand, the complement: MBD4 is on the minus strand). VCF-style: chr3-129436806-G-A. GRCh37 (hg19) VCF-style: chr3-129155649-G-A.
Other names: c.838C>T, p.Gln280Ter (NM_001276271.2, NM_001276272.2, NM_003925.3); c.247+1002C>T (NM_001276273.2); short protein forms Q280*.
Identifiers: ClinVar variation 4719572 (VCV004719572.1).

ClinVar aggregate classification (germline): Pathogenic (1 of 4 stars; one submission).

Submission:

Labcorp Genetics (formerly Invitae), Labcorp
Classification: Pathogenic. Last evaluated: 2025-05-26. Review status: criteria provided, single submitter. Criteria: Invitae Variant Classification Sherloc (09022015). Collection method: clinical testing. Allele origin: germline.
Comment: This sequence change creates a premature translational stop signal (p.Gln280*) in the MBD4 gene. It is expected to result in an absent or disrupted protein product. Loss-of-function variants in MBD4 are known to be pathogenic (PMID: 30049810, 35460607). This variant is not present in population databases (gnomAD no frequency). This variant has not been reported in the literature in individuals affected with MBD4-related conditions. For these reasons, this variant has been classified as Pathogenic.

Literature cited by the submitters: PubMed 30049810; PubMed 35460607.